The following is an entry in ClinVar:

ClinVar aggregate classification (germline): Uncertain significance (1 of 4 stars; one submission).

Allele frequency attached by ClinVar (database versions not stated): gnomAD 0.00001; TOPMed 0.00001; gnomAD exomes 0.00002; ExAC 0.00003.
gnomAD v4.1: 28 of 1,536,294 alleles (0.0018%); highest among the groups gnomAD compares: Non-Finnish European, 0.0024%; no homozygotes.

Submission:

Labcorp Genetics (formerly Invitae), Labcorp
Classification: Uncertain significance. Last evaluated: 2024-07-29. Review status: criteria provided, single submitter. Criteria: Invitae Variant Classification Sherloc (09022015). Collection method: clinical testing. Allele origin: germline.
Comment: This sequence change replaces tyrosine, which is neutral and polar, with cysteine, which is neutral and slightly polar, at codon 210 of the TCF3 protein (p.Tyr210Cys). This variant is present in population databases (rs750637972, gnomAD 0.006%). This variant has not been reported in the literature in individuals affected with TCF3-related conditions. ClinVar contains an entry for this variant (Variation ID: 1365207). Advanced modeling of protein sequence and biophysical properties (such as structural, functional, and spatial information, amino acid conservation, physicochemical variation, residue mobility, and thermodynamic stability) has been performed at Invitae for this missense variant, however the output from this modeling did not meet the statistical confidence thresholds required to predict the impact of this variant on TCF3 protein function. In summary, the available evidence is currently insufficient to determine the role of this variant in disease. Therefore, it has been classified as a Variant of Uncertain Significance.

NM_003200.5(TCF3):c.629A>G (p.Tyr210Cys)

Gene: TCF3 (transcription factor 3; minus strand). Cytogenetic location: 19p13.3.
Variant type: single nucleotide variant.
Coding change: c.629A>G on transcript NM_003200.5 (MANE Select); coding-DNA position 629, A replaced by G.
Protein change: p.Tyr210Cys; replaces tyrosine 210 with cysteine.
Molecular consequence: missense variant.
Genome position (GRCh38, 1-based): chr19:1,622,336, T>C on the plus strand (A>G on the coding strand, the complement: TCF3 is on the minus strand). VCF-style: chr19-1622336-T-C. GRCh37 (hg19) VCF-style: chr19-1622335-T-C.
Other names: c.629A>G, p.Tyr210Cys (NM_001136139.4, NM_001351778.2, NM_001351779.2); short protein forms Y210C.
Identifiers: ClinVar variation 1365207 (VCV001365207.8), dbSNP rs750637972, ClinGen allele CA9050292.